The following is an entry in ClinVar:

NM_001846.4(COL4A2):c.4996C>T (p.His1666Tyr)

Gene: COL4A2 (collagen type IV alpha 2 chain; plus strand). Cytogenetic location: 13q34.
Variant type: single nucleotide variant.
Coding change: c.4996C>T on transcript NM_001846.4 (MANE Select); coding-DNA position 4996, C replaced by T.
Protein change: p.His1666Tyr; replaces histidine 1666 with tyrosine.
Molecular consequence: missense variant.
Genome position (GRCh38, 1-based): chr13:110,512,048, C>T. VCF-style: chr13-110512048-C-T. GRCh37 (hg19) VCF-style: chr13-111164395-C-T.
Other names: short protein forms H1666Y.
Identifiers: ClinVar variation 928643 (VCV000928643.2), dbSNP rs1884100870, ClinGen allele CA388744211.

ClinVar aggregate classification (germline): Uncertain significance. Review status: criteria provided, multiple submitters, no conflicts (2 of 4 stars). 2 submissions from 2 submitters: Uncertain significance (2). Last evaluated 2021-08-27.

Allele frequency attached by ClinVar (database versions not stated): gnomAD exomes below 0.00001.
gnomAD v4.1: 1 of 1,613,852 alleles (0.000062%); highest among the groups gnomAD compares: Non-Finnish European, 0.000085%; no homozygotes.

Submissions (2):

Blueprint Genetics
Classification: Uncertain significance. Last evaluated: 2021-08-27. Review status: criteria provided, single submitter. Criteria: ACMG Guidelines, 2015. Collection method: clinical testing. Allele origin: germline.

Women's Health and Genetics/Laboratory Corporation of America, LabCorp
Classification: Uncertain significance. Last evaluated: 2019-11-13. Review status: criteria provided, single submitter. Criteria: LabCorp Variant Classification Summary - May 2015. Collection method: clinical testing. Allele origin: germline.
Comment: Variant summary: COL4A2 c.4996C>T (p.His1666Tyr) results in a conservative amino acid change located in the C-terminal non-collagenous domain (IPR001442) of the encoded protein sequence. Four of five in-silico tools predict a damaging effect of the variant on protein function. The variant was absent in 249396 control chromosomes (gnomAD). The available data on variant occurrences in the general population are insufficient to allow any conclusion about variant significance. To our knowledge, no occurrence of c.4996C>T in individuals affected with Porencephaly 2 and no experimental evidence demonstrating its impact on protein function have been reported. No clinical diagnostic laboratories have submitted clinical-significance assessments for this variant to ClinVar after 2014. Based on the evidence outlined above, the variant was classified as uncertain significance.